The following is an entry in ClinVar:

NM_000751.3(CHRND):c.*1025A>G

Gene: CHRND (cholinergic receptor nicotinic delta subunit; plus strand). Cytogenetic location: 2q37.1.
Variant type: single nucleotide variant.
Coding change: c.*1025A>G on transcript NM_000751.3 (MANE Select); 1025 bases downstream of the stop codon, A replaced by G.
Molecular consequence: 3 prime UTR variant.
Genome position (GRCh38, 1-based): chr2:232,536,337, A>G. VCF-style: chr2-232536337-A-G. GRCh37 (hg19) VCF-style: chr2-233401047-A-G.
Other names: c.*1025A>G (NM_001256657.2, NM_001311195.2, NM_001311196.2).
Identifiers: ClinVar variation 334993 (VCV000334993.7), dbSNP rs115132742, ClinGen allele CA2168450.
Genomic context (GRCh38, chr2:232,536,337, plus strand): 5'-CTGGGTAACCAATAGAATGAGGCAGAAGTGATGGTACCTCACTTCCCAGATTTGGTTAGG[A>G]AAGACACTATGGCCTCTTTCTTGCTCATTAGCCCTCATTCTCACATCAGTTGGATCTCTC-3'

ClinVar aggregate classification (germline): Benign/Likely benign. Review status: criteria provided, multiple submitters, no conflicts (2 of 4 stars). 3 submissions from 2 submitters: Benign (2); Likely benign (1). Last evaluated 2021-05-10.

Conditions:
Lethal multiple pterygium syndrome (LMPS). Identifiers: Orphanet 33108, MedGen C1854678, MONDO:0009668, OMIM 253290.
Congenital myasthenic syndrome (CMS). Also called: Congenital Myasthenic Syndromes. Identifiers: Orphanet 590, MedGen C0751882, MeSH D020294, MONDO:0018940.

Allele frequency attached by ClinVar (database versions not stated): 1000 Genomes Project 0.01518; 1000 Genomes Project 30x 0.01671; ExAC 0.02442; gnomAD 0.02644 and 0.02647; TOPMed 0.02650; gnomAD exomes 0.02706 and 0.02987.
gnomAD v4.1: 13,084 of 454,136 alleles (2.9%); highest among the groups gnomAD compares: Middle Eastern, 5.2%; 263 homozygotes.

Submissions (3):

GeneDx
Classification: Likely benign. Last evaluated: 2021-05-10. Review status: criteria provided, single submitter. Criteria: GeneDx Variant Classification Process June 2021. Collection method: clinical testing. Allele origin: germline. Affected: yes.

Illumina Laboratory Services, Illumina
Classification: Benign for Congenital myasthenic syndrome. Last evaluated: 2018-01-13. Review status: criteria provided, single submitter. Criteria: ICSL Variant Classification Criteria 13 December 2019. Collection method: clinical testing. Allele origin: germline.
Comment: This variant was observed in the ICSL laboratory as part of a predisposition screen in an ostensibly healthy population. It had not been previously curated by ICSL or reported in the Human Gene Mutation Database (HGMD: prior to June 1st, 2018), and was therefore a candidate for classification through an automated scoring system. Utilizing variant allele frequency, disease prevalence and penetrance estimates, and inheritance mode, an automated score was calculated to assess if this variant is too frequent to cause the disease. Based on the score and internal cut-off values, a variant classified as benign is not then subjected to further curation. The score for this variant resulted in a classification of benign for this disease.

Illumina Laboratory Services, Illumina
Classification: Benign for Lethal multiple pterygium syndrome. Last evaluated: 2018-01-13. Review status: criteria provided, single submitter. Criteria: ICSL Variant Classification Criteria 13 December 2019. Collection method: clinical testing. Allele origin: germline.
Comment: the same text as in the submission from Illumina Laboratory Services, Illumina above.